The following is an entry in ClinVar:

NM_006445.4(PRPF8):c.3633C>T (p.Asp1211=)

Gene: PRPF8 (pre-mRNA processing factor 8; minus strand). Cytogenetic location: 17p13.3.
Variant type: single nucleotide variant.
Coding change: c.3633C>T on transcript NM_006445.4 (MANE Select); coding-DNA position 3633, C replaced by T.
Protein change: p.Asp1211=; no amino-acid change (aspartic acid 1211 retained).
Molecular consequence: synonymous variant.
Genome position (GRCh38, 1-based): chr17:1,673,381, G>A on the plus strand (C>T on the coding strand, the complement: PRPF8 is on the minus strand). VCF-style: chr17-1673381-G-A. GRCh37 (hg19) VCF-style: chr17-1576675-G-A.
Identifiers: ClinVar variation 808182 (VCV000808182.49), dbSNP rs148599874, ClinGen allele CA8271845.

ClinVar aggregate classification (germline): Likely benign. Review status: criteria provided, multiple submitters, no conflicts (2 of 4 stars). 3 submissions from 3 submitters: Likely benign (3). Last evaluated 2026-06-01.

Allele frequency attached by ClinVar (database versions not stated): ExAC 0.00014; gnomAD 0.00017; TOPMed 0.00017; gnomAD exomes 0.00018 and 0.00023; ESP Exome Variant Server 0.00023.
gnomAD v4.1: 358 of 1,613,940 alleles (0.022%); highest among the groups gnomAD compares: Non-Finnish European, 0.027%; no homozygotes.

Submissions (3):

CeGaT Center for Human Genetics Tuebingen
Classification: Likely benign. Last evaluated: 2026-06-01. Review status: criteria provided, single submitter. Criteria: CeGaT Center For Human Genetics Tuebingen Variant Classification Criteria Version 2. Collection method: clinical testing. Allele origin: germline. Affected: yes. Observed: 3 variant alleles.
Comment: PRPF8: BP4, BP7

Labcorp Genetics (formerly Invitae), Labcorp
Classification: Likely benign. Last evaluated: 2025-04-30. Review status: criteria provided, single submitter. Criteria: Invitae Variant Classification Sherloc (09022015). Collection method: clinical testing. Allele origin: germline.

Blueprint Genetics
Classification: Likely benign. Last evaluated: 2024-03-07. Review status: criteria provided, single submitter. Criteria: ACMG Guidelines, 2015. Collection method: clinical testing. Allele origin: germline.